The following is an entry in ClinVar:

ClinVar aggregate classification (germline): Uncertain significance. Review status: criteria provided, multiple submitters, no conflicts (2 of 4 stars). 4 submissions from 4 submitters: Uncertain significance (3). 1 of the submissions does not count toward it. Last evaluated 2022-08-11.

Conditions:
Mucopolysaccharidosis, MPS-III-A (MPS3A). Also called: Mucopolysaccharidosis, type IIIA; MPS IIIA (Sanfilippo Syndrome Type A); MPS III A; SANFILIPPO SYNDROME A; SULFAMIDASE DEFICIENCY; Mucopolysaccharidosis type IIIA (Sanfilippo A). Identifiers: Orphanet 581, Orphanet 79269, MedGen C0086647, MONDO:0009655, OMIM 252900.

Allele frequency attached by ClinVar (database versions not stated): gnomAD exomes below 0.00001; TOPMed below 0.00001; ExAC 0.00001.

Submissions (4):

Labcorp Genetics (formerly Invitae), Labcorp
Classification: Uncertain significance for Mucopolysaccharidosis, MPS-III-A. Last evaluated: 2022-08-11. Review status: criteria provided, single submitter. Criteria: Invitae Variant Classification Sherloc (09022015). Collection method: clinical testing. Allele origin: germline.
Comment: This sequence change replaces alanine, which is neutral and non-polar, with aspartic acid, which is acidic and polar, at codon 311 of the SGSH protein (p.Ala311Asp). This variant is present in population databases (rs753934983, gnomAD 0.003%). This missense change has been observed in individual(s) with mucopolysaccharidosis type III (PMID: 22976768). ClinVar contains an entry for this variant (Variation ID: 555654). Advanced modeling of protein sequence and biophysical properties (such as structural, functional, and spatial information, amino acid conservation, physicochemical variation, residue mobility, and thermodynamic stability) performed at Invitae indicates that this missense variant is expected to disrupt SGSH protein function. In summary, the available evidence is currently insufficient to determine the role of this variant in disease. Therefore, it has been classified as a Variant of Uncertain Significance.

Genome-Nilou Lab
Classification: Uncertain significance for Mucopolysaccharidosis, MPS-III-A. Last evaluated: 2021-11-07. Review status: criteria provided, single submitter. Criteria: ACMG Guidelines, 2015. Collection method: clinical testing. Allele origin: germline. Affected: no.

Fulgent Genetics
Classification: Uncertain significance for Mucopolysaccharidosis, MPS-III-A. Last evaluated: 2021-07-22. Review status: criteria provided, single submitter. Criteria: ACMG Guidelines, 2015. Collection method: clinical testing. Allele origin: unknown.

Counsyl
Classification: Uncertain significance for Mucopolysaccharidosis, MPS-III-A. Last evaluated: 2017-12-27. Review status: no assertion criteria provided. Collection method: clinical testing. Allele origin: unknown. Not counted in ClinVar's aggregate classification.

Literature cited by the submitters: PubMed 22976768 (cited by Labcorp Genetics (formerly Invitae), Labcorp and Counsyl).

NM_000199.5(SGSH):c.932C>A (p.Ala311Asp)

Gene: SGSH (N-sulfoglucosamine sulfohydrolase; minus strand). Cytogenetic location: 17q25.3.
Variant type: single nucleotide variant.
Coding change: c.932C>A on transcript NM_000199.5 (MANE Select); coding-DNA position 932, C replaced by A.
Protein change: p.Ala311Asp; replaces alanine 311 with aspartic acid.
Molecular consequence: missense variant. On other transcripts: non-coding transcript variant (1).
Genome position (GRCh38, 1-based): chr17:80,212,088, G>T on the plus strand (C>A on the coding strand, the complement: SGSH is on the minus strand). VCF-style: chr17-80212088-G-T. GRCh37 (hg19) VCF-style: chr17-78185887-G-T.
Other names: c.932C>A, p.Ala311Asp (NM_001352921.3, NM_001352922.2); short protein forms A311D.
Identifiers: ClinVar variation 555654 (VCV000555654.7), dbSNP rs753934983, ClinGen allele CA8817748.